The following is an entry in ClinVar:

ClinVar aggregate classification (germline): Likely benign (1 of 4 stars; one submission).

Conditions:
Hereditary diffuse gastric adenocarcinoma (HDGC). Also called: DIFFUSE GASTRIC AND LOBULAR BREAST CANCER SYNDROME. Identifiers: Orphanet 26106, MedGen C1708349, MONDO:0007648, OMIM 137215.

Submission:

Myriad Genetics, Inc.
Classification: Likely benign for Hereditary diffuse gastric adenocarcinoma. Last evaluated: 2024-10-15. Review status: criteria provided, single submitter. Criteria: Myriad Autosomal Dominant, Autosomal Recessive and X-Linked Classification Criteria (2023). Collection method: clinical testing. Allele origin: unknown.
Comment: This variant is considered likely benign. This variant is intronic and is not expected to impact mRNA splicing.

NM_001903.5(CTNNA1):c.2434-19A>C

Gene: CTNNA1 (catenin alpha 1; plus strand). Cytogenetic location: 5q31.2.
Variant type: single nucleotide variant.
Coding change: c.2434-19A>C on transcript NM_001903.5 (MANE Select); 19 bases into the intron before coding-DNA position 2434, A replaced by C.
Molecular consequence: intron variant.
Genome position (GRCh38, 1-based): chr5:138,933,783, A>C. VCF-style: chr5-138933783-A-C. GRCh37 (hg19) VCF-style: chr5-138269472-A-C.
Other names: c.2434-19A>C (NM_001323982.2, NM_001323984.2, NM_001323983.1); c.2505-19A>C (NM_001290307.3); c.2434-46A>C (NM_001323985.2); c.2341-19A>C (NM_001323986.2); c.2065-19A>C (NM_001290310.3); c.2125-19A>C (NM_001290309.3); c.1324-19A>C (NM_001323996.1, NM_001323993.1, NM_001323998.1 and 12 more transcripts); c.1395-19A>C (NM_001324005.1, NM_001324003.1, NM_001324002.1 and 1 more transcripts); and 4 more.
Identifiers: ClinVar variation 3773400 (VCV003773400.1).
Genomic context (GRCh38, chr5:138,933,783, plus strand): 5'-CCCTTCAAGCACAGCCCACCTGTGTCCACGAGGCTGGAGGTCAGGCCGGTGCTTCTTACC[A>C]CCCCTGTCTGCCTCGTAGGTGGACAGCGCCATGTCCCTGATCCAGGCAGCCAAGAACTTG-3'